The following is an entry in ClinVar:

NM_001453.3(FOXC1):c.418C>T (p.Pro140Ser)

Gene: FOXC1 (forkhead box C1; plus strand). Cytogenetic location: 6p25.3.
Variant type: single nucleotide variant.
Coding change: c.418C>T on transcript NM_001453.3 (MANE Select); coding-DNA position 418, C replaced by T.
Protein change: p.Pro140Ser; replaces proline 140 with serine.
Molecular consequence: missense variant.
Genome position (GRCh38, 1-based): chr6:1,610,863, C>T. VCF-style: chr6-1610863-C-T. GRCh37 (hg19) VCF-style: chr6-1611098-C-T.
Other names: short protein forms P140S.
Identifiers: ClinVar variation 1213302 (VCV001213302.5), dbSNP rs777521814, ClinGen allele CA3614756.

ClinVar aggregate classification (germline): Uncertain significance. Review status: criteria provided, multiple submitters, no conflicts (2 of 4 stars). 3 submissions from 3 submitters: Uncertain significance (3). Last evaluated 2025-07-30.

Conditions:
Anterior segment dysgenesis 3 (ASGD3). Also called: Glaucoma iridogoniodysplasia, familial; IRIDOGONIODYSGENESIS ANOMALY, AUTOSOMAL DOMINANT. Identifiers: Orphanet 91483, MedGen C5975707, MONDO:0024456, OMIM 601631.
Axenfeld-Rieger syndrome type 3 (RIEG3). Also called: AXENFELD-RIEGER ANOMALY WITH CARDIAC DEFECTS AND/OR SENSORINEURAL HEARING LOSS. Identifiers: Orphanet 782, MedGen C2678503, MONDO:0011233, OMIM 602482.

Allele frequency attached by ClinVar (database versions not stated): gnomAD exomes below 0.00001; ExAC 0.00001; TOPMed 0.00001.

Submissions (3):

Labcorp Genetics (formerly Invitae), Labcorp
Classification: Uncertain significance for Axenfeld-Rieger syndrome type 3. Last evaluated: 2025-07-30. Review status: criteria provided, single submitter. Criteria: Invitae Variant Classification Sherloc (09022015). Collection method: clinical testing. Allele origin: germline.
Comment: This sequence change replaces proline, which is neutral and non-polar, with serine, which is neutral and polar, at codon 140 of the FOXC1 protein (p.Pro140Ser). This variant is present in population databases (rs777521814, gnomAD 0.003%). This variant has not been reported in the literature in individuals affected with FOXC1-related conditions. ClinVar contains an entry for this variant (Variation ID: 1213302). An algorithm developed to predict the effect of missense changes on protein structure and function (PolyPhen-2) suggests that this variant is likely to be disruptive. In summary, the available evidence is currently insufficient to determine the role of this variant in disease. Therefore, it has been classified as a Variant of Uncertain Significance.

Fulgent Genetics
Classification: Uncertain significance for Anterior segment dysgenesis 3; Axenfeld-Rieger syndrome type 3. Last evaluated: 2021-11-02. Review status: criteria provided, single submitter. Criteria: ACMG Guidelines, 2015. Collection method: clinical testing. Allele origin: unknown.

GeneDx
Classification: Uncertain significance. Last evaluated: 2019-07-15. Review status: criteria provided, single submitter. Criteria: GeneDx Variant Classification Process June 2021. Collection method: clinical testing. Allele origin: germline. Affected: yes.
Comment: In silico analysis, which includes protein predictors and evolutionary conservation, supports a deleterious effect; Has not been previously published as pathogenic or benign to our knowledge